The following is an entry in ClinVar:

NM_139125.4(MASP1):c.910C>A (p.Leu304Ile)

Gene: MASP1 (MBL associated serine protease 1; minus strand). Cytogenetic location: 3q27.3.
Variant type: single nucleotide variant.
Coding change: c.910C>A on transcript NM_139125.4 (MANE Select); coding-DNA position 910, C replaced by A.
Protein change: p.Leu304Ile; replaces leucine 304 with isoleucine.
Molecular consequence: missense variant. On other transcripts: non-coding transcript variant (1).
Genome position (GRCh38, 1-based): chr3:187,251,735, G>T on the plus strand (C>A on the coding strand, the complement: MASP1 is on the minus strand). VCF-style: chr3-187251735-G-T. GRCh37 (hg19) VCF-style: chr3-186969523-G-T.
Other names: c.910C>A, p.Leu304Ile (NM_001031849.3, NM_001879.6); short protein forms L304I.
Identifiers: ClinVar variation 290067 (VCV000290067.26), dbSNP rs145057248, ClinGen allele CA2749469.

ClinVar aggregate classification (germline): Uncertain significance. Review status: criteria provided, multiple submitters, no conflicts (2 of 4 stars). 9 submissions from 9 submitters: Uncertain significance (7). 2 of the submissions do not count toward it. Last evaluated 2025-11-06.

Conditions:
Inborn genetic diseases. Identifiers: MedGen C0950123, MeSH D030342.
3MC syndrome 1. Also called: CRANIOSYNOSTOSIS WITH LID ANOMALIES; OCULOPALATOSKELETAL SYNDROME; MICHELS SYNDROME. Identifiers: Orphanet 293843, MedGen C0796059, MONDO:0009770, OMIM 257920.

Allele frequency attached by ClinVar (database versions not stated): ExAC 0.00018; ESP Exome Variant Server 0.00023; TOPMed 0.00029; gnomAD 0.00030 and 0.00035; gnomAD exomes 0.00046.
gnomAD v4.1: 708 of 1,613,906 alleles (0.044%); highest among the groups gnomAD compares: Non-Finnish European, 0.058%; no homozygotes.

Submissions (9):

Labcorp Genetics (formerly Invitae), Labcorp
Classification: Uncertain significance for 3MC syndrome 1. Last evaluated: 2025-11-06. Review status: criteria provided, single submitter. Criteria: Invitae Variant Classification Sherloc (09022015). Collection method: clinical testing. Allele origin: germline.
Comment: This sequence change replaces leucine, which is neutral and non-polar, with isoleucine, which is neutral and non-polar, at codon 304 of the MASP1 protein (p.Leu304Ile). This variant is present in population databases (rs145057248, gnomAD 0.05%). This variant has not been reported in the literature in individuals affected with MASP1-related conditions. ClinVar contains an entry for this variant (Variation ID: 290067). An algorithm developed to predict the effect of missense changes on protein structure and function (PolyPhen-2) suggests that this variant is likely to be tolerated. In summary, the available evidence is currently insufficient to determine the role of this variant in disease. Therefore, it has been classified as a Variant of Uncertain Significance.

Blueprint Genetics
Classification: Uncertain significance. Last evaluated: 2024-10-28. Review status: criteria provided, single submitter. Criteria: ACMG Guidelines, 2015. Collection method: clinical testing. Allele origin: germline.

Ambry Genetics
Classification: Uncertain significance for Inborn genetic diseases. Last evaluated: 2024-06-26. Review status: criteria provided, single submitter. Criteria: Ambry Variant Classification Scheme 2023. Collection method: clinical testing. Allele origin: germline.

GeneDx
Classification: Uncertain significance. Last evaluated: 2024-02-14. Review status: criteria provided, single submitter. Criteria: GeneDx Variant Classification Process June 2021. Collection method: clinical testing. Allele origin: germline. Affected: yes.
Comment: In silico analysis supports that this missense variant does not alter protein structure/function; Has not been previously published as pathogenic or benign to our knowledge

Fulgent Genetics
Classification: Uncertain significance for 3MC syndrome 1. Last evaluated: 2021-08-14. Review status: criteria provided, single submitter. Criteria: ACMG Guidelines, 2015. Collection method: clinical testing. Allele origin: unknown.

ARUP Laboratories, Molecular Genetics and Genomics, ARUP Laboratories
Classification: Uncertain significance. Last evaluated: 2018-04-18. Review status: criteria provided, single submitter. Criteria: ARUP Molecular Germline Variant Investigation Process. Collection method: clinical testing. Allele origin: germline.
Comment: The MASP1 c.910C>A; p.Leu304Ile variant (rs145057248), to our knowledge, is not reported in the medical literature, gene specific variation databases, nor has it been previously identified by our laboratory. This variant is listed in the genome Aggregation Database (gnomAD) with a non-Finnish European population frequency of 0.05% (identified on 63 out of 126,688 chromosomes). The leucine at position 304 is moderately conserved, considering 11 species, and computational analyses of the effects of the p.Leu304Ile variant on protein structure and function do not predict a deleterious effect (SIFT: tolerated, PolyPhen-2: benign). Based on the available information, the clinical significance of the p.Leu304Ile variant cannot be determined with certainty.

Eurofins Ntd Llc (ga)
Classification: Uncertain significance. Last evaluated: 2016-09-08. Review status: criteria provided, single submitter. Criteria: EGL Classification Definitions 2015. Collection method: clinical testing. Allele origin: germline. Observed: 1 variant allele, 1 heterozygote.

Clinical Genetics DNA and cytogenetics Diagnostics Lab, Erasmus MC, Erasmus Medical Center
Classification: Likely benign. Review status: no assertion criteria provided. Collection method: clinical testing. Allele origin: germline. Affected: yes. Study: VKGL Data-share Consensus. Not counted in ClinVar's aggregate classification.

Laboratory of Diagnostic Genome Analysis, Leiden University Medical Center (LUMC)
Classification: Likely benign. Review status: no assertion criteria provided. Collection method: clinical testing. Allele origin: germline. Affected: yes. Study: VKGL Data-share Consensus. Not counted in ClinVar's aggregate classification.